The following is an entry in ClinVar:

ClinVar aggregate classification (germline): Uncertain significance. Review status: criteria provided, multiple submitters, no conflicts (2 of 4 stars). 2 submissions from 2 submitters: Uncertain significance (2). Last evaluated 2025-03-28.

Conditions:
Inborn genetic diseases. Identifiers: MedGen C0950123, MeSH D030342.

Allele frequency attached by ClinVar (database versions not stated): gnomAD exomes 0.00003 and 0.00005; gnomAD 0.00004 and 0.00005; TOPMed 0.00005; ExAC 0.00006; ESP Exome Variant Server 0.00015.
gnomAD v4.1: 59 of 1,614,100 alleles (0.0037%); highest among the groups gnomAD compares: Middle Eastern, 0.082%; no homozygotes.

Submissions (2):

Ambry Genetics
Classification: Uncertain significance for Inborn genetic diseases. Last evaluated: 2025-03-28. Review status: criteria provided, single submitter. Criteria: Ambry Variant Classification Scheme 2023. Collection method: clinical testing. Allele origin: germline.

Labcorp Genetics (formerly Invitae), Labcorp
Classification: Uncertain significance. Last evaluated: 2024-04-10. Review status: criteria provided, single submitter. Criteria: Invitae Variant Classification Sherloc (09022015). Collection method: clinical testing. Allele origin: germline.
Comment: This sequence change replaces aspartic acid, which is acidic and polar, with asparagine, which is neutral and polar, at codon 536 of the COL17A1 protein (p.Asp536Asn). This variant is present in population databases (rs373205740, gnomAD 0.01%). This variant has not been reported in the literature in individuals affected with COL17A1-related conditions. ClinVar contains an entry for this variant (Variation ID: 1433512). Advanced modeling of protein sequence and biophysical properties (such as structural, functional, and spatial information, amino acid conservation, physicochemical variation, residue mobility, and thermodynamic stability) performed at Invitae indicates that this missense variant is not expected to disrupt COL17A1 protein function with a negative predictive value of 80%. In summary, the available evidence is currently insufficient to determine the role of this variant in disease. Therefore, it has been classified as a Variant of Uncertain Significance.

NM_000494.4(COL17A1):c.1606G>A (p.Asp536Asn)

Gene: COL17A1 (collagen type XVII alpha 1 chain; minus strand). Cytogenetic location: 10q25.1.
Variant type: single nucleotide variant.
Coding change: c.1606G>A on transcript NM_000494.4 (MANE Select); coding-DNA position 1606, G replaced by A.
Protein change: p.Asp536Asn; replaces aspartic acid 536 with asparagine.
Molecular consequence: missense variant.
Genome position (GRCh38, 1-based): chr10:104,055,863, C>T on the plus strand (G>A on the coding strand, the complement: COL17A1 is on the minus strand). VCF-style: chr10-104055863-C-T. GRCh37 (hg19) VCF-style: chr10-105815621-C-T.
Other names: c.1606G>A (NM_000494.3); short protein forms D536N.
Identifiers: ClinVar variation 1433512 (VCV001433512.8), dbSNP rs373205740, ClinGen allele CA5678977.